The following is an entry in ClinVar:

ClinVar aggregate classification (germline): Uncertain significance. Review status: criteria provided, multiple submitters, no conflicts (2 of 4 stars). 3 submissions from 3 submitters: Uncertain significance (2). 1 of the submissions does not count toward it. Last evaluated 2025-10-25.

Allele frequency attached by ClinVar (database versions not stated): ExAC 0.00001; gnomAD exomes 0.00001; TOPMed 0.00002; gnomAD 0.00004; ESP Exome Variant Server 0.00008.
gnomAD v4.1: 26 of 1,614,014 alleles (0.0016%); highest among the groups gnomAD compares: Non-Finnish European, 0.0021%; no homozygotes.

Submissions (3):

Labcorp Genetics (formerly Invitae), Labcorp
Classification: Uncertain significance. Last evaluated: 2025-10-25. Review status: criteria provided, single submitter. Criteria: Invitae Variant Classification Sherloc (09022015). Collection method: clinical testing. Allele origin: germline.
Comment: This sequence change replaces threonine, which is neutral and polar, with alanine, which is neutral and non-polar, at codon 840 of the EPAS1 protein (p.Thr840Ala). This variant is present in population databases (rs371184501, gnomAD 0.003%). This variant has not been reported in the literature in individuals affected with EPAS1-related conditions. ClinVar contains an entry for this variant (Variation ID: 1049441). An algorithm developed to predict the effect of missense changes on protein structure and function (PolyPhen-2) suggests that this variant is likely to be disruptive. In summary, the available evidence is currently insufficient to determine the role of this variant in disease. Therefore, it has been classified as a Variant of Uncertain Significance.

GeneDx
Classification: Uncertain significance. Last evaluated: 2020-06-29. Review status: criteria provided, single submitter. Criteria: GeneDx Variant Classification Process June 2021. Collection method: clinical testing. Allele origin: germline. Affected: yes.
Comment: Not observed at a significant frequency in large population cohorts (Lek 2016); In silico analysis supports that this missense variant has a deleterious effect on protein structure/function; Has not been previously published as pathogenic or benign to our knowledge

Department of Pathology and Laboratory Medicine, Sinai Health System
Classification: Uncertain significance. Review status: no assertion criteria provided. Collection method: clinical testing. Allele origin: unknown. Affected: yes. Study: The Canadian Open Genetics Repository (COGR). Not counted in ClinVar's aggregate classification.
Comment: The EPAS1 p.Thr840Ala variant was not identified in the literature nor was it identified in ClinVar or LOVD 3.0. The variant was identified in control databases in 4 of 282790 chromosomes at a frequency of 0.000014 (Genome Aggregation Database March 6, 2019, v2.1.1). The variant was observed in the European (non-Finnish) population in 4 of 129116 chromosomes (freq: 0.000031), but was not observed in the African, Latino, Ashkenazi Jewish, East Asian, European (Finnish), Other, or South Asian populations. The p.Thr840 residue is conserved in across mammals and other organisms and computational analyses (PolyPhen-2, SIFT, AlignGVGD, BLOSUM, MutationTaster) provide inconsistent predictions regarding the impact to the protein. The variant occurs outside of the splicing consensus sequence and in silico or computational prediction software programs (SpliceSiteFinder, MaxEntScan, NNSPLICE, GeneSplicer) do not predict a difference in splicing. In summary, based on the above information the clinical significance of this variant cannot be determined with certainty at this time. This variant is classified as a variant of uncertain significance.

NM_001430.5(EPAS1):c.2518A>G (p.Thr840Ala)

Gene: EPAS1 (endothelial PAS domain protein 1; plus strand). Cytogenetic location: 2p21.
Variant type: single nucleotide variant.
Coding change: c.2518A>G on transcript NM_001430.5 (MANE Select); coding-DNA position 2518, A replaced by G.
Protein change: p.Thr840Ala; replaces threonine 840 with alanine.
Molecular consequence: missense variant.
Genome position (GRCh38, 1-based): chr2:46,384,565, A>G. VCF-style: chr2-46384565-A-G. GRCh37 (hg19) VCF-style: chr2-46611704-A-G.
Other names: short protein forms T840A.
Identifiers: ClinVar variation 1049441 (VCV001049441.4), dbSNP rs371184501, ClinGen allele CA1645389.